The following is an entry in ClinVar:

NM_000404.4(GLB1):c.1152A>G (p.Thr384=)

Gene: GLB1 (galactosidase beta 1; minus strand). Cytogenetic location: 3p22.3.
Variant type: single nucleotide variant.
Coding change: c.1152A>G on transcript NM_000404.4 (MANE Select); coding-DNA position 1152, A replaced by G.
Protein change: p.Thr384=; no amino-acid change (threonine 384 retained).
Molecular consequence: synonymous variant.
Genome position (GRCh38, 1-based): chr3:33,021,647, T>C on the plus strand (A>G on the coding strand, the complement: GLB1 is on the minus strand). VCF-style: chr3-33021647-T-C. GRCh37 (hg19) VCF-style: chr3-33063139-T-C.
Other names: c.1062A>G, p.Thr354= (NM_001079811.3); c.759A>G, p.Thr253= (NM_001135602.3); c.1296A>G, p.Thr432= (NM_001317040.2); c.1152A>G, p.Thr384= (NM_001393580.1).
Identifiers: ClinVar variation 5021027 (VCV005021027.1).

ClinVar aggregate classification (germline): Uncertain significance (1 of 4 stars; one submission).

gnomAD v4.1: 2 of 1,613,802 alleles (0.00012%); highest among the groups gnomAD compares: Non-Finnish European, 0.00017%; no homozygotes.

Submission:

Dasa
Classification: Uncertain significance. Last evaluated: 2024-12-19. Review status: criteria provided, single submitter. Criteria: DASA Assertion Criteria. Collection method: clinical testing. Allele origin: germline.
Comment: NM_000404.4(GLB1):c.1152A>G (p.Thr384=) is a synonymous variant predicted not to alter the encoded amino acid sequence. This variant is rare in population databases. Computational prediction algorithms are consistent with a benign effect. The currently available literature and clinical evidence are not sufficient to establish a definitive association between this variant and the reported condition. Therefore, this variant is classified as a variant of uncertain significance.